The following is an entry in ClinVar:

NM_003638.3(ITGA8):c.663T>C (p.Ser221=)

Gene: ITGA8 (integrin subunit alpha 8; minus strand). Cytogenetic location: 10p13.
Variant type: single nucleotide variant.
Coding change: c.663T>C on transcript NM_003638.3 (MANE Select); coding-DNA position 663, T replaced by C.
Protein change: p.Ser221=; no amino-acid change (serine 221 retained).
Molecular consequence: synonymous variant.
Genome position (GRCh38, 1-based): chr10:15,677,605, A>G on the plus strand (T>C on the coding strand, the complement: ITGA8 is on the minus strand). VCF-style: chr10-15677605-A-G. GRCh37 (hg19) VCF-style: chr10-15719604-A-G.
Other names: c.663T>C, p.Ser221= (NM_001291494.2).
Identifiers: ClinVar variation 712065 (VCV000712065.6), dbSNP rs200181167, ClinGen allele CA5420597.

ClinVar aggregate classification (germline): Benign/Likely benign. Review status: criteria provided, multiple submitters, no conflicts (2 of 4 stars). 2 submissions from 2 submitters: Benign (1); Likely benign (1). Last evaluated 2026-07-01.

Allele frequency attached by ClinVar (database versions not stated): gnomAD below 0.00001 and 0.00039; TOPMed 0.00006; gnomAD exomes 0.00060 and 0.00119; ExAC 0.00132; 1000 Genomes Project 0.00140; 1000 Genomes Project 30x 0.00141.
gnomAD v4.1: 923 of 1,613,476 alleles (0.057%); highest among the groups gnomAD compares: South Asian, 0.98%; 7 homozygotes.

Submissions (2):

CeGaT Center for Human Genetics Tuebingen
Classification: Likely benign. Last evaluated: 2026-07-01. Review status: criteria provided, single submitter. Criteria: CeGaT Center For Human Genetics Tuebingen Variant Classification Criteria Version 2. Collection method: clinical testing. Allele origin: germline. Affected: yes. Observed: 1 variant allele.
Comment: ITGA8: BP4, BP7

Labcorp Genetics (formerly Invitae), Labcorp
Classification: Benign. Last evaluated: 2025-03-10. Review status: criteria provided, single submitter. Criteria: Invitae Variant Classification Sherloc (09022015). Collection method: clinical testing. Allele origin: germline.